The following is an entry in ClinVar:

NM_001160372.4(TRAPPC9):c.3257C>G (p.Ser1086Cys)

Gene: TRAPPC9 (trafficking protein particle complex subunit 9; minus strand). Cytogenetic location: 8q24.3.
Variant type: single nucleotide variant.
Coding change: c.3257C>G on transcript NM_001160372.4 (MANE Select); coding-DNA position 3257, C replaced by G.
Protein change: p.Ser1086Cys; replaces serine 1086 with cysteine.
Molecular consequence: missense variant. On other transcripts: non-coding transcript variant (1).
Genome position (GRCh38, 1-based): chr8:139,732,001, G>C on the plus strand (C>G on the coding strand, the complement: TRAPPC9 is on the minus strand). VCF-style: chr8-139732001-G-C. GRCh37 (hg19) VCF-style: chr8-140744244-G-C.
Other names: c.3230C>G, p.Ser1077Cys (NM_001321646.2); c.3278C>G, p.Ser1093Cys (NM_001374682.1); c.3146C>G, p.Ser1049Cys (NM_001374683.1); c.3113C>G, p.Ser1038Cys (NM_001374684.1); c.3257C>G, p.Ser1086Cys (NM_031466.8); short protein forms S1049C, S1077C, S1093C, S1038C, S1086C.
Identifiers: ClinVar variation 1878672 (VCV001878672.5), dbSNP rs369924557, ClinGen allele CA4892762.

ClinVar aggregate classification (germline): Uncertain significance. Review status: criteria provided, multiple submitters, no conflicts (2 of 4 stars). 3 submissions from 3 submitters: Uncertain significance (3). Last evaluated 2025-10-15.

Conditions:
Inborn genetic diseases. Identifiers: MedGen C0950123, MeSH D030342.

Allele frequency attached by ClinVar (database versions not stated): ExAC 0.00003; ESP Exome Variant Server 0.00008; gnomAD 0.00013.
gnomAD v4.1: 133 of 1,591,128 alleles (0.0084%); highest among the groups gnomAD compares: Non-Finnish European, 0.011%; no homozygotes.

Submissions (3):

GeneDx
Classification: Uncertain significance. Last evaluated: 2025-10-15. Review status: criteria provided, single submitter. Criteria: GeneDx Variant Classification Process June 2021. Collection method: clinical testing. Allele origin: germline. Affected: yes.
Comment: In silico analysis suggests that this missense variant does not alter protein structure/function; Has not been previously published as pathogenic or benign to our knowledge

Ambry Genetics
Classification: Uncertain significance for Inborn genetic diseases. Last evaluated: 2024-01-23. Review status: criteria provided, single submitter. Criteria: Ambry Variant Classification Scheme 2023. Collection method: clinical testing. Allele origin: germline.

Labcorp Genetics (formerly Invitae), Labcorp
Classification: Uncertain significance. Last evaluated: 2022-07-11. Review status: criteria provided, single submitter. Criteria: Invitae Variant Classification Sherloc (09022015). Collection method: clinical testing. Allele origin: germline.
Comment: This sequence change replaces serine, which is neutral and polar, with cysteine, which is neutral and slightly polar, at codon 1184 of the TRAPPC9 protein (p.Ser1184Cys). This variant is present in population databases (rs369924557, gnomAD 0.02%). This variant has not been reported in the literature in individuals affected with TRAPPC9-related conditions. Algorithms developed to predict the effect of missense changes on protein structure and function are either unavailable or do not agree on the potential impact of this missense change (SIFT: "Not Available"; PolyPhen-2: "Probably Damaging"; Align-GVGD: "Not Available"). In summary, the available evidence is currently insufficient to determine the role of this variant in disease. Therefore, it has been classified as a Variant of Uncertain Significance.